The following is an entry in ClinVar:

ClinVar aggregate classification (germline): Uncertain significance. Review status: criteria provided, multiple submitters, no conflicts (2 of 4 stars). 2 submissions from 2 submitters: Uncertain significance (2). Last evaluated 2026-04-17.

Conditions:
CFTR-related disorder (CFTR-RD). Also called: CFTR-related condition; CFTR-related disorders. Identifiers: MedGen C5924204, MONDO:7770004.

gnomAD v4.1: 3 of 1,587,212 alleles (0.00019%); highest among the groups gnomAD compares: Non-Finnish European, 0.00026%; no homozygotes.

Submissions (2):

PreventionGenetics, part of Exact Sciences
Classification: Uncertain significance for CFTR-related condition. Last evaluated: 2026-04-17. Review status: criteria provided, single submitter. Criteria: ACMG Guidelines, 2015. Collection method: clinical testing. Allele origin: germline.
Comment: The CFTR c.749A>G variant is predicted to result in the amino acid substitution p.Gln250Arg. To our knowledge, this variant has not been reported in the literature or population database gnomAD, indicating that this variant is rare. At this time, the clinical significance of this variant is uncertain due to the absence of conclusive functional and genetic evidence.

Blueprint Genetics
Classification: Uncertain significance. Last evaluated: 2024-10-15. Review status: criteria provided, single submitter. Criteria: ACMG Guidelines, 2015. Collection method: clinical testing. Allele origin: germline.

NM_000492.4(CFTR):c.749A>G (p.Gln250Arg)

Gene: CFTR (CF transmembrane conductance regulator; plus strand). Cytogenetic location: 7q31.2.
Variant type: single nucleotide variant.
Coding change: c.749A>G on transcript NM_000492.4 (MANE Select); coding-DNA position 749, A replaced by G.
Protein change: p.Gln250Arg; replaces glutamine 250 with arginine.
Molecular consequence: missense variant.
Genome position (GRCh38, 1-based): chr7:117,536,553, A>G. VCF-style: chr7-117536553-A-G. GRCh37 (hg19) VCF-style: chr7-117176607-A-G.
Other names: short protein forms Q250R.
Identifiers: ClinVar variation 4897576 (VCV004897576.2).